The following is an entry in ClinVar:

ClinVar aggregate classification (germline): Uncertain significance (1 of 4 stars; one submission).

Conditions:
Charcot-Marie-Tooth disease type 4. Also called: Charcot-Marie-Tooth, Type 4; Charcot-Marie-Tooth disease, type IV. Identifiers: Orphanet 64749, MedGen C4082197, MONDO:0018995.

gnomAD v4.1: 1 of 1,613,032 alleles (0.000062%); no homozygotes.

Submission:

Labcorp Genetics (formerly Invitae), Labcorp
Classification: Uncertain significance for Charcot-Marie-Tooth disease type 4. Last evaluated: 2022-01-17. Review status: criteria provided, single submitter. Criteria: Invitae Variant Classification Sherloc (09022015). Collection method: clinical testing. Allele origin: germline.
Comment: This sequence change replaces tyrosine, which is neutral and polar, with cysteine, which is neutral and slightly polar, at codon 321 of the FIG4 protein (p.Tyr321Cys). This variant is not present in population databases (gnomAD no frequency). This variant has not been reported in the literature in individuals affected with FIG4-related conditions. Algorithms developed to predict the effect of missense changes on protein structure and function are either unavailable or do not agree on the potential impact of this missense change (SIFT: "Deleterious"; PolyPhen-2: "Benign"; Align-GVGD: "Class C0"). In summary, the available evidence is currently insufficient to determine the role of this variant in disease. Therefore, it has been classified as a Variant of Uncertain Significance.

NM_014845.6(FIG4):c.962A>G (p.Tyr321Cys)

Gene: FIG4 (FIG4 phosphoinositide 5-phosphatase; plus strand). Cytogenetic location: 6q21.
Variant type: single nucleotide variant.
Coding change: c.962A>G on transcript NM_014845.6 (MANE Select); coding-DNA position 962, A replaced by G.
Protein change: p.Tyr321Cys; replaces tyrosine 321 with cysteine.
Molecular consequence: missense variant.
Genome position (GRCh38, 1-based): chr6:109,743,195, A>G. VCF-style: chr6-109743195-A-G. GRCh37 (hg19) VCF-style: chr6-110064398-A-G.
Other names: short protein forms Y321C.
Identifiers: ClinVar variation 1907819 (VCV001907819.5), dbSNP rs2486136185, ClinGen allele CA365221852.
Genomic context (GRCh38, chr6:109,743,195, plus strand): 5'-CTGAACAAATACTCTGCGATGCTTCTGTGATGTCTTTCACTGCAGGAAGTTATTCTTCAT[A>G]TGTACAAGTTAGAGGATCTGTGCCCTTATACTGGTCTCAGGACATTTCAACTATGATGCC-3'
Protein context (NP_055660.1, residues 311-331): MSFTAGSYSS[Tyr321Cys]VQVRGSVPLY